The following is an entry in ClinVar:

NM_000180.4(GUCY2D):c.277G>A (p.Gly93Ser)

Gene: GUCY2D (guanylate cyclase 2D, retinal; plus strand). Cytogenetic location: 17p13.1.
Variant type: single nucleotide variant.
Coding change: c.277G>A on transcript NM_000180.4 (MANE Select); coding-DNA position 277, G replaced by A.
Protein change: p.Gly93Ser; replaces glycine 93 with serine.
Molecular consequence: missense variant.
Genome position (GRCh38, 1-based): chr17:8,003,324, G>A. VCF-style: chr17-8003324-G-A. GRCh37 (hg19) VCF-style: chr17-7906642-G-A.
Other names: c.277G>A (NM_000180.3); short protein forms G93S.
Identifiers: ClinVar variation 1475784 (VCV001475784.9), dbSNP rs749432012, ClinGen allele CA397943098.
Genomic context (GRCh38, chr17:8,003,324, plus strand): 5'-CCGGACCTGGCCGCCCGCCTGGCCGCCGCCCGCCTGAACCGCGACCCCGGCCTGGCAGGC[G>A]GTCCCCGCTTCGAGGTAGCGCTGCTGCCCGAGCCTTGCCGGACGCCGGGCTCGCTGGGGG-3'
Protein context (NP_000171.1, residues 83-103): RLNRDPGLAG[Gly93Ser]PRFEVALLPE

ClinVar aggregate classification (germline): Uncertain significance. Review status: criteria provided, multiple submitters, no conflicts (2 of 4 stars). 2 submissions from 2 submitters: Uncertain significance (2). Last evaluated 2024-10-02.

Conditions:
Leber congenital amaurosis 1 (LCA1). Also called: RETINAL BLINDNESS, CONGENITAL; AMAUROSIS CONGENITA OF LEBER I; Congenital absence of the rods and cones; Leber's congenital tapetoretinal degeneration; Leber's congenital tapetoretinal dysplasia. Identifiers: Orphanet 65, MedGen C2931258, MONDO:0008764, OMIM 204000.
Cone-rod dystrophy 6 (CORD6). Also called: Cone dystrophy progressive; RETINAL CONE DYSTROPHY 2. Identifiers: Orphanet 1872, MedGen C1866293, MONDO:0011143, OMIM 601777.

Allele frequency attached by ClinVar (database versions not stated): TOPMed below 0.00001; gnomAD 0.00001.
gnomAD v4.1: 3 of 1,482,898 alleles (0.0002%); highest among the groups gnomAD compares: African/African-American, 0.0044%; no homozygotes.

Submissions (2):

Labcorp Genetics (formerly Invitae), Labcorp
Classification: Uncertain significance for Leber congenital amaurosis 1; Cone-rod dystrophy 6. Last evaluated: 2024-10-02. Review status: criteria provided, single submitter. Criteria: Invitae Variant Classification Sherloc (09022015). Collection method: clinical testing. Allele origin: germline.
Comment: This sequence change replaces glycine, which is neutral and non-polar, with serine, which is neutral and polar, at codon 93 of the GUCY2D protein (p.Gly93Ser). This variant is present in population databases (no rsID available, gnomAD 0.01%). This variant has not been reported in the literature in individuals affected with GUCY2D-related conditions. ClinVar contains an entry for this variant (Variation ID: 1475784). Invitae Evidence Modeling of protein sequence and biophysical properties (such as structural, functional, and spatial information, amino acid conservation, physicochemical variation, residue mobility, and thermodynamic stability) indicates that this missense variant is not expected to disrupt GUCY2D protein function with a negative predictive value of 80%. In summary, the available evidence is currently insufficient to determine the role of this variant in disease. Therefore, it has been classified as a Variant of Uncertain Significance.

GeneDx
Classification: Uncertain significance. Last evaluated: 2022-10-21. Review status: criteria provided, single submitter. Criteria: GeneDx Variant Classification Process June 2021. Collection method: clinical testing. Allele origin: germline. Affected: yes.
Comment: In silico analysis supports that this missense variant has a deleterious effect on protein structure/function; Has not been previously published as pathogenic or benign to our knowledge